The following is an entry in ClinVar:

NM_004304.5(ALK):c.994A>G (p.Thr332Ala)

Gene: ALK (ALK receptor tyrosine kinase; minus strand). Cytogenetic location: 2p23.2.
Variant type: single nucleotide variant.
Coding change: c.994A>G on transcript NM_004304.5 (MANE Select); coding-DNA position 994, A replaced by G.
Protein change: p.Thr332Ala; replaces threonine 332 with alanine.
Molecular consequence: missense variant.
Genome position (GRCh38, 1-based): chr2:29,532,075, T>C on the plus strand (A>G on the coding strand, the complement: ALK is on the minus strand). VCF-style: chr2-29532075-T-C. GRCh37 (hg19) VCF-style: chr2-29754941-T-C.
Other names: short protein forms T332A.
Identifiers: ClinVar variation 939348 (VCV000939348.10), dbSNP rs1673135833, ClinGen allele CA346587505.
Genomic context (GRCh38, chr2:29,532,075, plus strand): 5'-GCACCGAGACGGCCAGTGTGCAGTGCTCACTGCTGCTCCTCATCCACGGACTCAGGATGG[T>C]GTGCTTGGAGTCAGCTGAGGTGTTGAGAAGGAGAAAGGAGCCTGGAAAGAGACAGGGAAA-3'
Protein context (NP_004295.2, residues 322-342): LLNTSADSKH[Thr332Ala]ILSPWMRSSS

ClinVar aggregate classification (germline): Uncertain significance. Review status: criteria provided, multiple submitters, no conflicts (2 of 4 stars). 2 submissions from 2 submitters: Uncertain significance (2). Last evaluated 2024-03-19.

Conditions:
Neuroblastoma, susceptibility to, 3. Also called: ALK-Related Neuroblastic Tumor Susceptibility. Identifiers: Orphanet 635, MedGen C2751681, MONDO:0013083, OMIM 613014.
Hereditary cancer-predisposing syndrome. Also called: Tumor predisposition; Hereditary neoplastic syndrome; Neoplastic Syndromes, Hereditary; Hereditary Cancer Syndrome. Identifiers: Orphanet 140162, MedGen C0027672, MeSH D009386, MONDO:0015356.

Allele frequency attached by ClinVar (database versions not stated): gnomAD exomes below 0.00001.
gnomAD v4.1: 1 of 1,613,628 alleles (0.000062%); highest among the groups gnomAD compares: Non-Finnish European, 0.000085%; no homozygotes.

Submissions (2):

Ambry Genetics
Classification: Uncertain significance for Hereditary cancer-predisposing syndrome. Last evaluated: 2024-03-19. Review status: criteria provided, single submitter. Criteria: Ambry Variant Classification Scheme 2023. Collection method: clinical testing. Allele origin: germline.
Comment: The p.T332A variant (also known as c.994A>G), located in coding exon 4 of the ALK gene, results from an A to G substitution at nucleotide position 994. The threonine at codon 332 is replaced by alanine, an amino acid with similar properties. This amino acid position is conserved. In addition, this alteration is predicted to be tolerated by in silico analysis. Based on the available evidence, the clinical significance of this alteration remains unclear.

Labcorp Genetics (formerly Invitae), Labcorp
Classification: Uncertain significance for Neuroblastoma, susceptibility to, 3. Last evaluated: 2019-06-29. Review status: criteria provided, single submitter. Criteria: Invitae Variant Classification Sherloc (09022015). Collection method: clinical testing. Allele origin: germline.
Comment: In summary, the available evidence is currently insufficient to determine the role of this variant in disease. Therefore, it has been classified as a Variant of Uncertain Significance. Algorithms developed to predict the effect of missense changes on protein structure and function output the following: SIFT: "Deleterious"; PolyPhen-2: "Benign"; Align-GVGD: "Class C0". The alanine amino acid residue is found in multiple mammalian species, suggesting that this missense change does not adversely affect protein function. These predictions have not been confirmed by published functional studies and their clinical significance is uncertain. This sequence change replaces threonine with alanine at codon 332 of the ALK protein (p.Thr332Ala). The threonine residue is moderately conserved and there is a small physicochemical difference between threonine and alanine. This variant is not present in population databases (ExAC no frequency). This variant has not been reported in the literature in individuals with ALK-related conditions.